The following is an entry in ClinVar:

ClinVar aggregate classification (germline): Uncertain significance (1 of 4 stars; one submission).

Conditions:
Familial infantile myasthenia (CMS6). Also called: MYASTHENIC SYNDROME, PRESYNAPTIC, CONGENITAL, ASSOCIATED WITH EPISODIC APNEA; MYASTHENIC SYNDROME, CONGENITAL, 6, PRESYNAPTIC; Congenital myasthenic syndrome type 6. Identifiers: Orphanet 590, MedGen C0393929, MONDO:0009689, OMIM 254210.

Allele frequency attached by ClinVar (database versions not stated): gnomAD exomes below 0.00001.
gnomAD v4.1: 2 of 1,613,780 alleles (0.00012%); highest among the groups gnomAD compares: Admixed American, 0.0017%; no homozygotes.

Submission:

Labcorp Genetics (formerly Invitae), Labcorp
Classification: Uncertain significance for Familial infantile myasthenia. Last evaluated: 2019-06-22. Review status: criteria provided, single submitter. Criteria: Invitae Variant Classification Sherloc (09022015). Collection method: clinical testing. Allele origin: germline.
Comment: This variant is not present in population databases (ExAC no frequency). This sequence change replaces methionine with threonine at codon 613 of the CHAT protein (p.Met613Thr). The methionine residue is moderately conserved and there is a moderate physicochemical difference between methionine and threonine. This variant has not been reported in the literature in individuals with CHAT-related conditions. Algorithms developed to predict the effect of missense changes on protein structure and function (SIFT, PolyPhen-2, Align-GVGD) all suggest that this variant is likely to be tolerated, but these predictions have not been confirmed by published functional studies and their clinical significance is uncertain. In summary, the available evidence is currently insufficient to determine the role of this variant in disease. Therefore, it has been classified as a Variant of Uncertain Significance.

NM_020549.5(CHAT):c.1838T>C (p.Met613Thr)

Gene: CHAT (choline O-acetyltransferase; plus strand). Cytogenetic location: 10q11.23.
Variant type: single nucleotide variant.
Coding change: c.1838T>C on transcript NM_020549.5 (MANE Select); coding-DNA position 1838, T replaced by C.
Protein change: p.Met613Thr; replaces methionine 613 with threonine.
Molecular consequence: missense variant.
Genome position (GRCh38, 1-based): chr10:49,655,447, T>C. VCF-style: chr10-49655447-T-C. GRCh37 (hg19) VCF-style: chr10-50863493-T-C.
Other names: c.1484T>C, p.Met495Thr (NM_001142929.2, NM_001142934.2, NM_020984.4 and 2 more transcripts); c.1592T>C, p.Met531Thr (NM_001142933.2); short protein forms M613T, M495T, M531T.
Identifiers: ClinVar variation 945100 (VCV000945100.8), dbSNP rs1840006355, ClinGen allele CA376748941.